The following is an entry in ClinVar:

NM_000334.4(SCN4A):c.2019+10A>C

Gene: SCN4A (sodium voltage-gated channel alpha subunit 4; minus strand). Cytogenetic location: 17q23.3.
Variant type: single nucleotide variant.
Coding change: c.2019+10A>C on transcript NM_000334.4 (MANE Select); 10 bases into the intron after coding-DNA position 2019, A replaced by C.
Molecular consequence: intron variant.
Genome position (GRCh38, 1-based): chr17:63,959,255, T>G on the plus strand (A>C on the coding strand, the complement: SCN4A is on the minus strand). VCF-style: chr17-63959255-T-G. GRCh37 (hg19) VCF-style: chr17-62036615-T-G.
Identifiers: ClinVar variation 3052876 (VCV003052876.2), dbSNP rs2509307646, ClinGen allele CA2639316304.

ClinVar aggregate classification (germline): Likely benign (0 of 4 stars; one submission).

Conditions:
SCN4A-related disorder. Also called: SCN4A-related disorders.

Submission:

PreventionGenetics, part of Exact Sciences
Classification: Likely benign for SCN4A-related condition. Last evaluated: 2024-01-22. Review status: no assertion criteria provided. Collection method: clinical testing. Allele origin: germline.
Comment: This variant is classified as likely benign based on ACMG/AMP sequence variant interpretation guidelines (Richards et al. 2015 PMID: 25741868, with internal and published modifications).